The following is an entry in ClinVar:

ClinVar aggregate classification (germline): Uncertain significance. Review status: criteria provided, multiple submitters, no conflicts (2 of 4 stars). 2 submissions from 2 submitters: Uncertain significance (2). Last evaluated 2024-05-30.

Conditions:
Hereditary cancer-predisposing syndrome. Also called: Tumor predisposition; Hereditary neoplastic syndrome; Neoplastic Syndromes, Hereditary; Hereditary Cancer Syndrome. Identifiers: Orphanet 140162, MedGen C0027672, MeSH D009386, MONDO:0015356.
Familial cancer of breast. Also called: hereditary breast carcinoma; BREAST CANCER, FAMILIAL; Hereditary breast cancer. Identifiers: Orphanet 227535, MedGen C0346153, MONDO:0016419, OMIM 114480. Disease mechanism: loss of function.
Fanconi anemia complementation group J. Also called: BRIP1-Related Fanconi Anemia. Identifiers: Orphanet 84, MedGen C1836860, MONDO:0012187, OMIM 609054.

Allele frequency attached by ClinVar (database versions not stated): gnomAD exomes below 0.00001.
gnomAD v4.1: 1 of 1,610,868 alleles (0.000062%); highest among the groups gnomAD compares: Non-Finnish European, 0.000085%; no homozygotes.

Submissions (2):

Ambry Genetics
Classification: Uncertain significance for Hereditary cancer-predisposing syndrome. Last evaluated: 2024-05-30. Review status: criteria provided, single submitter. Criteria: Ambry Variant Classification Scheme 2023. Collection method: clinical testing. Allele origin: germline.
Comment: The p.T616A variant (also known as c.1846A>G), located in coding exon 12 of the BRIP1 gene, results from an A to G substitution at nucleotide position 1846. The threonine at codon 616 is replaced by alanine, an amino acid with similar properties. This variant was detected in 1 of 1197 individuals with breast cancer who underwent genetic testing (Abdel-Razeq H et al. Front Oncol, 2022 Mar;12:673094). This amino acid position is highly conserved in available vertebrate species. In addition, this alteration is predicted to be deleterious by in silico analysis. Based on the available evidence, the clinical significance of this variant remains unclear.

Labcorp Genetics (formerly Invitae), Labcorp
Classification: Uncertain significance for Familial cancer of breast; Fanconi anemia complementation group J. Last evaluated: 2020-03-02. Review status: criteria provided, single submitter. Criteria: Invitae Variant Classification Sherloc (09022015). Collection method: clinical testing. Allele origin: germline.
Comment: In summary, the available evidence is currently insufficient to determine the role of this variant in disease. Therefore, it has been classified as a Variant of Uncertain Significance. Algorithms developed to predict the effect of missense changes on protein structure and function (SIFT, PolyPhen-2, Align-GVGD) all suggest that this variant is likely to be disruptive, but these predictions have not been confirmed by published functional studies and their clinical significance is uncertain. This variant has not been reported in the literature in individuals with BRIP1-related conditions. This variant is not present in population databases (ExAC no frequency). This sequence change replaces threonine with alanine at codon 616 of the BRIP1 protein (p.Thr616Ala). The threonine residue is highly conserved and there is a small physicochemical difference between threonine and alanine.

Literature cited by the submitters: PubMed 35402282 (cited by Ambry Genetics).

NM_032043.3(BRIP1):c.1846A>G (p.Thr616Ala)

Gene: BRIP1 (BRCA1 interacting DNA helicase 1; minus strand). Cytogenetic location: 17q23.2.
Variant type: single nucleotide variant.
Coding change: c.1846A>G on transcript NM_032043.3 (MANE Select); coding-DNA position 1846, A replaced by G.
Protein change: p.Thr616Ala; replaces threonine 616 with alanine.
Molecular consequence: missense variant.
Genome position (GRCh38, 1-based): chr17:61,780,350, T>C on the plus strand (A>G on the coding strand, the complement: BRIP1 is on the minus strand). VCF-style: chr17-61780350-T-C. GRCh37 (hg19) VCF-style: chr17-59857711-T-C.
Other names: short protein forms T616A.
Identifiers: ClinVar variation 939257 (VCV000939257.11), dbSNP rs1397233707, ClinGen allele CA400480127.